The following is an entry in ClinVar:

NM_000384.3(APOB):c.3420C>T (p.His1140=)

Gene: APOB (apolipoprotein B; minus strand). Cytogenetic location: 2p24.1.
Variant type: single nucleotide variant.
Coding change: c.3420C>T on transcript NM_000384.3 (MANE Select); coding-DNA position 3420, C replaced by T.
Protein change: p.His1140=; no amino-acid change (histidine 1140 retained).
Molecular consequence: synonymous variant.
Genome position (GRCh38, 1-based): chr2:21,015,458, G>A on the plus strand (C>T on the coding strand, the complement: APOB is on the minus strand). VCF-style: chr2-21015458-G-A. GRCh37 (hg19) VCF-style: chr2-21238330-G-A.
Identifiers: ClinVar variation 928134 (VCV000928134.8), dbSNP rs749353361, ClinGen allele CA058806.

ClinVar aggregate classification (germline): Likely benign. Review status: criteria provided, multiple submitters, no conflicts (2 of 4 stars). 2 submissions from 2 submitters: Likely benign (2). Last evaluated 2025-07-01.

Conditions:
Familial hypobetalipoproteinemia 1. Also called: Hypobetalipoproteinemia, normotriglyceridemic; Acanthocytosis with hypobetalipoproteinemia; APOB-Related Familial Hypobetalipoproteinemia. Identifiers: MedGen C4551990, MONDO:0014252, OMIM 615558.
Hypercholesterolemia, autosomal dominant, type B (FHCL2). Also called: Familial Hypercholesterolemia Type B; HYPERCHOLESTEROLEMIA, FAMILIAL, DUE TO LIGAND-DEFECTIVE APOLIPOPROTEIN B; Familial hypercholesterolemia 2; APOB-Related Familial Hypercholesterolemia, Autosomal Dominant; APOLIPOPROTEIN B-100, FAMILIAL DEFECTIVE; APOLIPOPROTEIN B-100, FAMILIAL LIGAND-DEFECTIVE. Identifiers: MedGen C1704417, MONDO:0007751, OMIM 144010.
Familial hypercholesterolemia. Also called: Familial hypercholesterolemias; Familial hypercholesterolaemia. Identifiers: MedGen C0020445, MONDO:0005439.

Allele frequency attached by ClinVar (database versions not stated): gnomAD exomes below 0.00001 and 0.00002; ExAC 0.00001.

Submissions (2):

GENinCode PLC
Classification: Likely benign for Familial hypercholesterolemia. Last evaluated: 2025-07-01. Review status: criteria provided, single submitter. Criteria: ACMG Guidelines, 2015. Collection method: clinical testing. Allele origin: germline.
Comment: This is a synonymous (silent) variant that is not predicted to impact splicing and occurs at a nucleotide which is not highly conserved. This variant has been classified as Likely Benign (BP4, BP7).

Labcorp Genetics (formerly Invitae), Labcorp
Classification: Likely benign for Familial hypobetalipoproteinemia 1; Hypercholesterolemia, autosomal dominant, type B. Last evaluated: 2024-02-14. Review status: criteria provided, single submitter. Criteria: Invitae Variant Classification Sherloc (09022015). Collection method: clinical testing. Allele origin: germline.